The following is an entry in ClinVar:

NM_000226.4(KRT9):c.469A>G (p.Met157Val)

Gene: KRT9 (keratin 9; minus strand). Cytogenetic location: 17q21.2.
Variant type: single nucleotide variant.
Coding change: c.469A>G on transcript NM_000226.4 (MANE Select); coding-DNA position 469, A replaced by G.
Protein change: p.Met157Val; replaces methionine 157 with valine.
Molecular consequence: missense variant.
Genome position (GRCh38, 1-based): chr17:41,571,524, T>C on the plus strand (A>G on the coding strand, the complement: KRT9 is on the minus strand). VCF-style: chr17-41571524-T-C. GRCh37 (hg19) VCF-style: chr17-39727776-T-C.
Other names: short protein forms M157V.
Identifiers: ClinVar variation 3002 (VCV000003002.8), dbSNP rs58597584, ClinGen allele CA115908.

ClinVar aggregate classification (germline): Pathogenic. Review status: criteria provided, multiple submitters, no conflicts (2 of 4 stars). 4 submissions from 4 submitters: Pathogenic (2). 2 of the submissions do not count toward it. Last evaluated 2023-06-15.

Conditions:
Epidermolytic palmoplantar keratoderma, 1 (EPPK1). Also called: PALMOPLANTAR KERATODERMA, EPIDERMOLYTIC, WITH KNUCKLE PADS; TYLOSIS. Identifiers: Orphanet 2199, MedGen CN377798, MONDO:0007758, OMIM 144200.

Submissions (4):

Labcorp Genetics (formerly Invitae), Labcorp
Classification: Pathogenic. Last evaluated: 2023-06-15. Review status: criteria provided, single submitter. Criteria: Invitae Variant Classification Sherloc (09022015). Collection method: clinical testing. Allele origin: germline.
Comment: For these reasons, this variant has been classified as Pathogenic. Advanced modeling of protein sequence and biophysical properties (such as structural, functional, and spatial information, amino acid conservation, physicochemical variation, residue mobility, and thermodynamic stability) performed at Invitae indicates that this missense variant is expected to disrupt KRT9 protein function. ClinVar contains an entry for this variant (Variation ID: 3002). This variant is also known as c.466A>G (p.Met156Val); c.532A>G (p.Met156Val). This missense change has been observed in individuals with epidermolytic palmoplantar keratoderma (PMID: 7516304, 9856842). This variant is not present in population databases (gnomAD no frequency). This sequence change replaces methionine, which is neutral and non-polar, with valine, which is neutral and non-polar, at codon 157 of the KRT9 protein (p.Met157Val).

GeneDx
Classification: Pathogenic. Last evaluated: 2017-06-13. Review status: criteria provided, single submitter. Criteria: GeneDx Variant Classification (06012015). Collection method: clinical testing. Allele origin: germline. Affected: yes.
Comment: The M157V variant in the KRT9 gene has been reported previously using alternate nomenclature (M156V) in association with epidermolytic palmoplantar keratoderma (EPPK) (Hennies et al., 1994; Covello et al., 1998; Rugg et al., 2002). The M157V variant is not observed in large population cohorts (Lek et al., 2016; 1000 Genomes Consortium et al., 2015; Exome Variant Server). The M157V variant is a conservative amino acid substitution and occurs within a known mutational hotspot region (helix initiation motif) that is highly conserved across all species and among all members of the keratin family. Missense variants at the same residue (M157R, M157K, M157T) and in nearby residues (L160V, L160F, L160P, N161Y, N161H, N161S, N161I, N161K) have been reported in the Human Gene Mutation Database in association with EPPK (Stenson et al., 2014), supporting the functional importance of this region of the protein. It is well established that keratin gene mutations affecting the residues at the ends of the central rod domains of the keratin proteins (helix initiation and termination motifs) interfere with proper keratin intermediate filament assembly and function, resulting in skin fragility and/or hyperkeratosis (Chamcheu et al., 2011). Therefore, we interpret M157V as a pathogenic variant.

OMIM
Classification: Pathogenic for PALMOPLANTAR KERATODERMA, EPIDERMOLYTIC, 1. Last evaluated: 2003-07-30. Review status: no assertion criteria provided. Collection method: literature only. Allele origin: germline. Not counted in ClinVar's aggregate classification.

Epithelial Biology;  Institute of Medical Biology, Singapore
No classification provided. Review status: no classification provided. Collection method: not provided. Allele origin: not provided. Not counted in ClinVar's aggregate classification.

Literature cited by the submitters: PubMed 7516304 (cited by Labcorp Genetics (formerly Invitae), Labcorp); PubMed 9856842 (cited by Labcorp Genetics (formerly Invitae), Labcorp and OMIM); PubMed 12838553 (cited by OMIM); PubMed 7512862 (cited by OMIM).